The following is an entry in ClinVar:

NM_003601.4(SMARCA5):c.2500A>G (p.Lys834Glu)

Gene: SMARCA5 (SNF2 related chromatin remodeling ATPase 5; plus strand). Cytogenetic location: 4q31.21.
Variant type: single nucleotide variant.
Coding change: c.2500A>G on transcript NM_003601.4 (MANE Select); coding-DNA position 2500, A replaced by G.
Protein change: p.Lys834Glu; replaces lysine 834 with glutamic acid.
Molecular consequence: missense variant.
Genome position (GRCh38, 1-based): chr4:143,546,027, A>G. VCF-style: chr4-143546027-A-G. GRCh37 (hg19) VCF-style: chr4-144467180-A-G.
Other names: short protein forms K834E.
Identifiers: ClinVar variation 3358935 (VCV003358935.2).

ClinVar aggregate classification (germline): Uncertain significance (1 of 4 stars; one submission).

Conditions:
SMARCA5-associated neurodevelopmental disorder.

Submission:

Institute of Human Genetics, University of Leipzig Medical Center
Classification: Uncertain significance for SMARCA5-associated neurodevelopmental disorder. Last evaluated: 2024-04-08. Review status: criteria provided, single submitter. Criteria: ACMG Guidelines, 2015. Collection method: clinical testing. Allele origin: maternal. Inheritance: Autosomal dominant inheritance. Affected: yes.
Comment: Criteria applied: PM2_SUP,PP2,PP3